The following is an entry in ClinVar:

ClinVar aggregate classification (germline): Likely benign. Review status: criteria provided, multiple submitters, no conflicts (2 of 4 stars). 2 submissions from 2 submitters: Likely benign (2). Last evaluated 2018-06-12.

Conditions:
Cone-rod dystrophy 15 (CORD15). Identifiers: MedGen C3150912, MONDO:0013348, OMIM 613660.

Allele frequency attached by ClinVar (database versions not stated): gnomAD exomes 0.00035; gnomAD 0.00493 and 0.00528; TOPMed 0.00555; 1000 Genomes Project 0.00659; 1000 Genomes Project 30x 0.00703.
gnomAD v4.1: 1,051 of 985,500 alleles (0.11%); highest among the groups gnomAD compares: African/African-American, 1.7%; 13 homozygotes.

Submissions (2):

Blueprint Genetics
Classification: Likely benign. Last evaluated: 2018-06-12. Review status: criteria provided, single submitter. Criteria: ACMG Guidelines, 2015. Collection method: clinical testing. Allele origin: germline.

Illumina Laboratory Services, Illumina
Classification: Likely benign for Cone-rod dystrophy 15. Last evaluated: 2018-01-12. Review status: criteria provided, single submitter. Criteria: ICSL Variant Classification Criteria 13 December 2019. Collection method: clinical testing. Allele origin: germline.
Comment: This variant was observed in the ICSL laboratory as part of a predisposition screen in an ostensibly healthy population. It had not been previously curated by ICSL or reported in the Human Gene Mutation Database (HGMD: prior to June 1st, 2018), and was therefore a candidate for classification through an automated scoring system. Utilizing variant allele frequency, disease prevalence and penetrance estimates, and inheritance mode, an automated score was calculated to assess if this variant is too frequent to cause the disease. Based on the score and internal cut-off values, a variant classified as likely benign is not then subjected to further curation. The score for this variant resulted in a classification of likely benign for this disease.

NM_033100.4(CDHR1):c.*1694T>C

Gene: CDHR1 (cadherin related family member 1; plus strand). Cytogenetic location: 10q23.1.
Variant type: single nucleotide variant.
Coding change: c.*1694T>C on transcript NM_033100.4 (MANE Select); 1694 bases downstream of the stop codon, T replaced by C.
Molecular consequence: 3 prime UTR variant. On other transcripts: intron variant (1).
Genome position (GRCh38, 1-based): chr10:84,216,315, T>C. VCF-style: chr10-84216315-T-C. GRCh37 (hg19) VCF-style: chr10-85976071-T-C.
Other names: c.2041-2764T>C (NM_001171971.3).
Identifiers: ClinVar variation 301297 (VCV000301297.6), dbSNP rs140640986, ClinGen allele CA10629295.